The following is an entry in ClinVar:

ClinVar aggregate classification (germline): Likely pathogenic (1 of 4 stars; one submission).

Submission:

GeneDx
Classification: Likely pathogenic. Last evaluated: 2017-06-28. Review status: criteria provided, single submitter. Criteria: GeneDx Variant Classification (06012015). Collection method: clinical testing. Allele origin: germline. Affected: yes.
Comment: The Q73X variant in the FUS gene has not been reported previously as a pathogenic variant nor as a benign variant, to our knowledge. This variant is predicted to cause loss of normal protein function either through protein truncation or nonsense-mediated mRNA decay. The Q73X variant is not observed in large population cohorts (Lek et al., 2016; 1000 Genomes Consortium et al., 2015; Exome Variant Server). We interpret Q73X as a likely pathogenic variant.

NM_004960.4(FUS):c.217C>T (p.Gln73Ter)

Gene: FUS (FUS RNA binding protein; plus strand). Cytogenetic location: 16p11.2.
Variant type: single nucleotide variant.
Coding change: c.217C>T on transcript NM_004960.4 (MANE Select); coding-DNA position 217, C replaced by T.
Protein change: p.Gln73Ter; replaces glutamine 73 with a stop codon.
Molecular consequence: nonsense. On other transcripts: non-coding transcript variant (1).
Genome position (GRCh38, 1-based): chr16:31,183,884, C>T. VCF-style: chr16-31183884-C-T. GRCh37 (hg19) VCF-style: chr16-31195205-C-T.
Other names: c.214C>T, p.Gln72Ter (NM_001170634.1); c.217C>T, p.Gln73Ter (NM_001170937.1); short protein forms Q73*, Q72*.
Identifiers: ClinVar variation 450106 (VCV000450106.2), dbSNP rs764487847, ClinGen allele CA395666508.